The following is an entry in ClinVar:

NM_145693.2(LPIN1):c.-33052G>A

Gene: LPIN1 (lipin 1; plus strand). Cytogenetic location: 2p25.1.
Variant type: single nucleotide variant.
Coding change: c.-33052G>A on transcript NM_145693.2; 33052 bases upstream of the start codon, G replaced by A.
Molecular consequence: intron variant (on NM_001261428.3).
Genome position (GRCh38, 1-based): chr2:11,713,629, G>A. VCF-style: chr2-11713629-G-A. GRCh37 (hg19) VCF-style: chr2-11853755-G-A.
Other names: c.82-127G>A (NM_001261428.3, NM_001349208.2); c.81+35901G>A (NM_001349207.2).
Identifiers: ClinVar variation 670679 (VCV000670679.3), dbSNP rs10179409, ClinGen allele CA11333060.

ClinVar aggregate classification (germline): Benign (1 of 4 stars; one submission).

Allele frequency attached by ClinVar (database versions not stated): 1000 Genomes Project 0.16294; gnomAD 0.13976 and 0.14119; gnomAD exomes 0.11966; 1000 Genomes Project 30x 0.16380; TOPMed 0.14406.
gnomAD v4.1: 74,025 of 592,308 alleles (12%); highest among the groups gnomAD compares: East Asian, 27%; 5,427 homozygotes.

Submission:

GeneDx
Classification: Benign. Last evaluated: 2018-06-14. Review status: criteria provided, single submitter. Criteria: GeneDx Variant Classification (06012015). Collection method: clinical testing. Allele origin: germline. Affected: yes.
Comment: This variant is considered likely benign or benign based on one or more of the following criteria: it is a conservative change, it occurs at a poorly conserved position in the protein, it is predicted to be benign by multiple in silico algorithms, and/or has population frequency not consistent with disease.